The following is an entry in ClinVar:

ClinVar aggregate classification (germline): Pathogenic/Likely pathogenic. Review status: criteria provided, multiple submitters, no conflicts (2 of 4 stars). 5 submissions from 4 submitters: Pathogenic (1); Likely pathogenic (3). 1 of the submissions does not count toward it. Last evaluated 2024-08-04.

Conditions:
Retinitis pigmentosa 39 (RP39). Identifiers: Orphanet 791, MedGen C3151138, MONDO:0013436, OMIM 613809.
Usher syndrome type 2A. Also called: RETINAL DISEASE IN USHER SYNDROME TYPE IIA, MODIFIER OF; USHER SYNDROME, TYPE IIA. Identifiers: Orphanet 231178, Orphanet 886, MedGen C1848634, MONDO:0010169, OMIM 276901.

Allele frequency attached by ClinVar (database versions not stated): gnomAD 0.00002; TOPMed 0.00002.

Submissions (5):

Labcorp Genetics (formerly Invitae), Labcorp
Classification: Pathogenic. Last evaluated: 2024-08-04. Review status: criteria provided, single submitter. Criteria: Invitae Variant Classification Sherloc (09022015). Collection method: clinical testing. Allele origin: germline.
Comment: This sequence change creates a premature translational stop signal (p.Gly2225Trpfs*6) in the USH2A gene. It is expected to result in an absent or disrupted protein product. Loss-of-function variants in USH2A are known to be pathogenic (PMID: 10729113, 10909849, 20507924, 25649381). This variant is present in population databases (no rsID available, gnomAD 0.01%). This variant has not been reported in the literature in individuals affected with USH2A-related conditions. ClinVar contains an entry for this variant (Variation ID: 555755). For these reasons, this variant has been classified as Pathogenic.

Genome-Nilou Lab
Classification: Likely pathogenic for Retinitis pigmentosa 39. Last evaluated: 2023-11-04. Review status: criteria provided, single submitter. Criteria: ACMG Guidelines, 2015. Collection method: clinical testing. Allele origin: germline. Affected: no.

Genome-Nilou Lab
Classification: Likely pathogenic for Usher syndrome type 2A. Last evaluated: 2023-11-04. Review status: criteria provided, single submitter. Criteria: ACMG Guidelines, 2015. Collection method: clinical testing. Allele origin: germline. Affected: no.

Baylor Genetics
Classification: Likely pathogenic for Retinitis pigmentosa 39. Last evaluated: 2023-06-13. Review status: criteria provided, single submitter. Criteria: ACMG Guidelines, 2015. Collection method: clinical testing. Allele origin: unknown.

Counsyl
Classification: Likely pathogenic for Usher syndrome type 2A; Retinitis pigmentosa 39. Last evaluated: 2017-12-21. Review status: no assertion criteria provided. Collection method: clinical testing. Allele origin: unknown. Not counted in ClinVar's aggregate classification.

Literature cited by the submitters: PubMed 10729113 (cited by Labcorp Genetics (formerly Invitae), Labcorp); PubMed 10909849 (cited by Labcorp Genetics (formerly Invitae), Labcorp); PubMed 20507924 (cited by Labcorp Genetics (formerly Invitae), Labcorp); PubMed 25649381 (cited by Labcorp Genetics (formerly Invitae), Labcorp).

NM_206933.4(USH2A):c.6672dup (p.Gly2225fs)

Gene: USH2A (usherin; minus strand). Cytogenetic location: 1q41.
Variant type: Duplication.
Coding change: c.6672dup on transcript NM_206933.4 (MANE Select); coding-DNA position 6672, one base duplicated (T; older notation c.6672dupT).
Protein change: p.Gly2225fs; shifts the reading frame from glycine 2225.
Molecular consequence: frameshift variant.
Genome position (GRCh38, 1-based): chr1:215,993,153, A duplicated on the plus strand (T on the coding strand, the reverse complement: USH2A is on the minus strand). VCF-style (leftmost placement, unchanged base first): chr1-215993152-C-CA. GRCh37 (hg19) VCF-style: chr1-216166494-C-CA.
Other names: c.6672dupT (NM_206933.2); short protein forms G2225fs.
Identifiers: ClinVar variation 555755 (VCV000555755.9), dbSNP rs1284826852, ClinGen allele CA528720103.
Genomic context (GRCh38, chr1:215,993,152, plus strand): 5'-GCACGCCTTCGGGTATGTCCTCGTCAGTTAGGGCCTCACTGGCCTCACTCACTGTGCACC[C>CA]ACCACCTGTGCAAGCCTAAACAGAGATGCAAAAATGCTCATTTCACTCTTGGTCCCAAAA-3'